The following is an entry in ClinVar:

NM_004208.4(AIFM1):c.1232G>C (p.Gly411Ala)

Genes: AIFM1 (apoptosis inducing factor mitochondria associated 1; minus strand), RAB33A (RAB33A, member RAS oncogene family; plus strand). Cytogenetic location: Xq26.1.
Variant type: single nucleotide variant.
Coding change: c.1232G>C on transcript NM_004208.4 (MANE Select); coding-DNA position 1232, G replaced by C.
Protein change: p.Gly411Ala; replaces glycine 411 with alanine.
Molecular consequence: missense variant. On other transcripts: 3 prime UTR variant (1), non-coding transcript variant (1).
Genome position (GRCh38, 1-based): chrX:130,136,118, C>G on the plus strand (G>C on the coding strand, the complement: AIFM1 is on the minus strand). VCF-style: chrX-130136118-C-G. GRCh37 (hg19) VCF-style: chrX-129270093-C-G.
Other names: c.215G>C, p.Gly72Ala (NM_001130846.4); c.*460G>C (NM_001130847.4); c.1220G>C, p.Gly407Ala (NM_145812.3); short protein forms G407A, G411A, G72A.
Identifiers: ClinVar variation 3253355 (VCV003253355.1), dbSNP rs753549726.

ClinVar aggregate classification (germline): Uncertain significance (1 of 4 stars; one submission).

gnomAD v4.1: 1 of 1,211,896 alleles (0.000083%); highest among the groups gnomAD compares: African/African-American, 0.0017%; no homozygotes.

Submission:

GeneDx
Classification: Uncertain significance. Last evaluated: 2023-12-12. Review status: criteria provided, single submitter. Criteria: GeneDx Variant Classification Process June 2021. Collection method: clinical testing. Allele origin: germline. Affected: yes.
Comment: Not observed at significant frequency in large population cohorts (gnomAD); In silico analysis supports that this missense variant has a deleterious effect on protein structure/function; Has not been previously published as pathogenic or benign to our knowledge